The following is an entry in ClinVar:

NM_001130987.2(DYSF):c.3070G>A (p.Ala1024Thr)

Gene: DYSF (dysferlin; plus strand). Cytogenetic location: 2p13.2.
Variant type: single nucleotide variant.
Coding change: c.3070G>A on transcript NM_001130987.2 (MANE Select); coding-DNA position 3070, G replaced by A.
Protein change: p.Ala1024Thr; replaces alanine 1024 with threonine.
Molecular consequence: missense variant.
Genome position (GRCh38, 1-based): chr2:71,570,319, G>A. VCF-style: chr2-71570319-G-A. GRCh37 (hg19) VCF-style: chr2-71797449-G-A.
Other names: c.3019G>A, p.Ala1007Thr (NM_001130455.2, NM_001130983.2); c.2974G>A, p.Ala992Thr (NM_001130976.2, NM_001130977.2); c.3016G>A, p.Ala1006Thr (NM_001130978.2, NM_003494.4); c.3109G>A, p.Ala1037Thr (NM_001130979.2); c.3067G>A, p.Ala1023Thr (NM_001130980.2, NM_001130981.2); c.3112G>A, p.Ala1038Thr (NM_001130982.2); c.2977G>A, p.Ala993Thr (NM_001130984.2, NM_001130986.2); c.3070G>A, p.Ala1024Thr (NM_001130985.2); short protein forms A1006T, A1007T, A1023T, A1024T, A1037T, A1038T, A992T, A993T.
Identifiers: ClinVar variation 2633299 (VCV002633299.1), dbSNP rs2092344848, ClinGen allele CA347216759.

ClinVar aggregate classification (germline): Uncertain significance (1 of 4 stars; one submission).

Conditions:
DYSF-related disorder. Also called: DYSF-related condition; DYSF-related disorders.

gnomAD v4.1: 1 of 1,614,068 alleles (0.000062%); highest among the groups gnomAD compares: Non-Finnish European, 0.000085%; no homozygotes.

Submission:

PreventionGenetics, part of Exact Sciences
Classification: Uncertain significance for DYSF-related condition. Last evaluated: 2023-04-12. Review status: criteria provided, single submitter. Criteria: ACMG Guidelines, 2015. Collection method: clinical testing. Allele origin: germline.
Comment: The DYSF c.3016G>A variant is predicted to result in the amino acid substitution p.Ala1006Thr. To our knowledge, this variant has not been reported in the literature or in a large population database, indicating this variant is rare. At this time, the clinical significance of this variant is uncertain due to the absence of conclusive functional and genetic evidence.